The following is an entry in ClinVar:

ClinVar aggregate classification (germline): Likely pathogenic (1 of 4 stars; one submission).

Conditions:
CHARGE syndrome (CHARGE). Also called: Hittner Hirsch Kreh syndrome; Coloboma, heart anomaly, choanal atresia, retardation, genital and ear anomalies; CHARGE association; Hall-Hittner syndrome; CHARGE ASSOCIATION--COLOBOMA, HEART ANOMALY, CHOANAL ATRESIA, RETARDATION, GENITAL AND EAR ANOMALIES. Identifiers: Orphanet 138, MedGen C0265354, MONDO:0008965.

Submission:

Labcorp Genetics (formerly Invitae), Labcorp
Classification: Likely pathogenic for CHARGE association. Last evaluated: 2019-09-21. Review status: criteria provided, single submitter. Criteria: Invitae Variant Classification Sherloc (09022015). Collection method: clinical testing. Allele origin: germline.
Comment: This variant results in the deletion of part of exon 24 (c.5211-2_5227del) of the CHD7 gene. It is expected to disrupt RNA splicing and likely results in an absent or disrupted protein product. This variant is not present in population databases (ExAC no frequency). This variant has not been reported in the literature in individuals with CHD7-related conditions. Algorithms developed to predict the effect of sequence changes on RNA splicing suggest that this variant may disrupt the consensus splice site, but this prediction has not been confirmed by published transcriptional studies. Loss-of-function variants in CHD7 are known to be pathogenic (PMID: 22461308, 25077900). In summary, the currently available evidence indicates that the variant is pathogenic, but additional data are needed to prove that conclusively. Therefore, this variant has been classified as Likely Pathogenic.

NM_017780.4(CHD7):c.5211-2_5227del

Gene: CHD7 (chromodomain helicase DNA binding protein 7; plus strand). Cytogenetic location: 8q12.2.
Variant type: Deletion.
Coding change: c.5211-2_5227del on transcript NM_017780.4 (MANE Select); the canonical splice acceptor site of the intron before coding-DNA position 5211 through coding-DNA position 5227, 19 bases deleted (AGGGTCCTGCTGCGTGTCC).
Molecular consequence: splice acceptor variant. On other transcripts: intron variant (1).
Genome position (GRCh38, 1-based): chr8:60,848,513-60,848,531, AGGGTCCTGCTGCGTGTCC deleted; deleting any 19 consecutive bases within chr8:60,848,510-60,848,531 gives the same sequence; the c. name uses the placement nearest the transcript's 3' end. VCF-style (leftmost placement, unchanged base first): chr8-60848509-CTCCAGGGTCCTGCTGCGTG-C. GRCh37 (hg19) VCF-style: chr8-61761068-CTCCAGGGTCCTGCTGCGTG-C.
Other names: c.1717-13716_1717-13698del (NM_001316690.1).
Identifiers: ClinVar variation 953238 (VCV000953238.1), dbSNP rs1805310101, ClinGen allele CA1139660563.